The following is an entry in ClinVar:

ClinVar aggregate classification (germline): Benign/Likely benign. Review status: criteria provided, multiple submitters, no conflicts (2 of 4 stars). 3 submissions from 3 submitters: Benign (1); Likely benign (2). Last evaluated 2024-09-17.

Conditions:
Hereditary cancer-predisposing syndrome. Also called: Hereditary neoplastic syndrome; Neoplastic Syndromes, Hereditary; Tumor predisposition; Hereditary Cancer Syndrome. Identifiers: Orphanet 140162, MedGen C0027672, MeSH D009386, MONDO:0015356.
Hereditary diffuse gastric adenocarcinoma (HDGC). Also called: DIFFUSE GASTRIC AND LOBULAR BREAST CANCER SYNDROME. Identifiers: Orphanet 26106, MedGen C1708349, MONDO:0007648, OMIM 137215.

gnomAD v4.1: 2 of 1,614,148 alleles (0.00012%); highest among the groups gnomAD compares: Non-Finnish European, 0.000085%; no homozygotes.

Submissions (3):

Myriad Genetics, Inc.
Classification: Benign for Hereditary diffuse gastric adenocarcinoma. Last evaluated: 2024-09-17. Review status: criteria provided, single submitter. Criteria: Myriad Autosomal Dominant, Autosomal Recessive and X-Linked Classification Criteria (2023). Collection method: clinical testing. Allele origin: unknown.
Comment: This variant is considered benign. This variant is a silent/synonymous amino acid change and it is not expected to impact splicing.

Labcorp Genetics (formerly Invitae), Labcorp
Classification: Likely benign for Hereditary diffuse gastric adenocarcinoma. Last evaluated: 2022-10-17. Review status: criteria provided, single submitter. Criteria: Invitae Variant Classification Sherloc (09022015). Collection method: clinical testing. Allele origin: germline.

Ambry Genetics
Classification: Likely benign for Hereditary cancer-predisposing syndrome. Last evaluated: 2016-08-25. Review status: criteria provided, single submitter. Criteria: Ambry Variant Classification Scheme 2023. Collection method: clinical testing. Allele origin: germline.

Literature cited by the submitters: PubMed 16801346 (cited by Ambry Genetics).

NM_004360.5(CDH1):c.933C>T (p.Leu311=)

Gene: CDH1 (cadherin 1; plus strand). Cytogenetic location: 16q22.1.
Variant type: single nucleotide variant.
Coding change: c.933C>T on transcript NM_004360.5 (MANE Select); coding-DNA position 933, C replaced by T.
Protein change: p.Leu311=; no amino-acid change (leucine 311 retained).
Molecular consequence: synonymous variant. On other transcripts: 5 prime UTR variant (2).
Genome position (GRCh38, 1-based): chr16:68,811,784, C>T. VCF-style: chr16-68811784-C-T. GRCh37 (hg19) VCF-style: chr16-68845687-C-T.
Other names: c.933C>T (LRG_301t1); c.933C>T, p.Leu311= (NM_001317184.2); c.-683C>T (NM_001317185.2); c.-887C>T (NM_001317186.2).
Identifiers: ClinVar variation 483241 (VCV000483241.17), dbSNP rs35539711, ClinGen allele CA496152911.